The following is an entry in ClinVar:

NM_007294.4(BRCA1):c.5018A>G (p.His1673Arg)

Gene: BRCA1 (BRCA1 DNA repair associated; minus strand). Cytogenetic location: 17q21.31.
Variant type: single nucleotide variant.
Coding change: c.5018A>G on transcript NM_007294.4 (MANE Select); coding-DNA position 5018, A replaced by G.
Protein change: p.His1673Arg; replaces histidine 1673 with arginine.
Molecular consequence: missense variant. On other transcripts: non-coding transcript variant (1).
Genome position (GRCh38, 1-based): chr17:43,067,664, T>C on the plus strand (A>G on the coding strand, the complement: BRCA1 is on the minus strand). VCF-style: chr17-43067664-T-C. GRCh37 (hg19) VCF-style: chr17-41219681-T-C.
Other names: c.4805A>G, p.His1602Arg (NM_001407571.1, NM_001407894.1, NM_001407895.1 and 12 more transcripts); c.5084A>G, p.His1695Arg (NM_001407581.1, NM_001407582.1); c.5081A>G, p.His1694Arg (NM_001407583.1, NM_001407585.1, NM_001407587.1 and 1 more transcripts); c.5078A>G, p.His1693Arg (NM_001407590.1, NM_001407591.1); c.5018A>G, p.His1673Arg (NM_001407593.1, NM_001407594.1, NM_001407596.1 and 8 more transcripts); c.5015A>G, p.His1672Arg (NM_001407616.1, NM_001407617.1, NM_001407618.1 and 17 more transcripts); c.5012A>G, p.His1671Arg (NM_001407635.1, NM_001407636.1, NM_001407637.1 and 14 more transcripts); c.5009A>G, p.His1670Arg (NM_001407644.1, NM_001407645.1); and 70 more; short protein forms H1673R, H1694R, H1626R, H569R, H1376R, H1377R, H1545R, H1546R.
Identifiers: ClinVar variation 419497 (VCV000419497.19), dbSNP rs1064793913, ClinGen allele CA10591480.
Genomic context (GRCh38, chr17:43,067,664, plus strand): 5'-ATACCTGTTTTCATAACAACATGAGTAGTCTCTTCAGTAATTAGATTAGTTAAAGTGATG[T>C]GGTGTTTTCTGGCAAACTTGTACACGAGCATCTGAAATTAAATCAAATATTCCATTATCA-3'
Protein context (NP_009225.1, residues 1663-1683): MLVYKFARKH[His1673Arg]ITLTNLITEE

ClinVar aggregate classification (germline): Conflicting classifications of pathogenicity. Review status: criteria provided, conflicting classifications (1 of 4 stars). 6 submissions from 6 submitters: Uncertain significance (3); Likely benign (3). Last evaluated 2025-03-16.

Conditions:
Hereditary breast ovarian cancer syndrome. Also called: Hereditary breast and ovarian cancer syndrome (HBOC); BRCA1- and BRCA2-Associated Hereditary Breast and Ovarian Cancer; Hereditary breast and/or ovarian cancer syndrome; Hereditary breast and ovarian cancer syndrome; Hereditary breast and ovarian cancer; Breast and ovarian cancer. Identifiers: Orphanet 145, MedGen C0677776, MeSH D061325, MONDO:0003582. Disease mechanism: loss of function.
Hereditary cancer-predisposing syndrome. Also called: Neoplastic Syndromes, Hereditary; Hereditary neoplastic syndrome; Tumor predisposition; Hereditary Cancer Syndrome. Identifiers: Orphanet 140162, MedGen C0027672, MeSH D009386, MONDO:0015356.
Breast-ovarian cancer, familial, susceptibility to, 1 (BROVCA1). Also called: BRCA1 Hereditary Breast and Ovarian Cancer; OVARIAN CANCER, SUSCEPTIBILITY TO. Identifiers: Orphanet 145, MedGen C2676676, MONDO:0011450, OMIM 604370. Disease mechanism: loss of function.

Allele frequency attached by ClinVar (database versions not stated): TOPMed 0.00002.

Submissions (7):

Labcorp Genetics (formerly Invitae), Labcorp
Classification: Uncertain significance for Hereditary breast ovarian cancer syndrome. Last evaluated: 2025-03-16. Review status: criteria provided, single submitter. Criteria: Invitae Variant Classification Sherloc (09022015). Collection method: clinical testing. Allele origin: germline.
Comment: This sequence change replaces histidine, which is basic and polar, with arginine, which is basic and polar, at codon 1673 of the BRCA1 protein (p.His1673Arg). This variant is not present in population databases (gnomAD no frequency). This variant has not been reported in the literature in individuals affected with BRCA1-related conditions. ClinVar contains an entry for this variant (Variation ID: 419497). Invitae Evidence Modeling incorporating data from in vitro experimental studies (PMID: 30209399) indicates that this missense variant is not expected to disrupt BRCA1 function with a negative predictive value of 95%. Experimental studies have shown that this missense change does not substantially affect BRCA1 function (PMID: 30209399). In summary, the available evidence is currently insufficient to determine the role of this variant in disease. Therefore, it has been classified as a Variant of Uncertain Significance.

Lupski Lab, Baylor-Hopkins CMG, Baylor College of Medicine
Classification: Likely benign for Breast-ovarian cancer, familial, susceptibility to, 1. Last evaluated: 2024-04-12. Review status: criteria provided, single submitter. Criteria: Dawood et al. (medRxiv. 2024). Collection method: curation. Allele origin: germline.
Comment: Each variant was annotated with functional scores from MAVE data which was translated into functional evidence codes. All other evidence codes and combining criteria were adhered to as closely as possible based on the ClinGen VCEP (Variant Curation Expert Panel) gene-specific recommendations. See Supplemental Figure 34 of final paper (Supp Fig. 28 in preprint: doi:10.1101/2024.04.11.24305690) for a table to see which lines of evidence we did not have data for. The ClinGen VCEPs are highly regarded as the gold-standard for gene-specific variant curation and are developed after extensive evaluation of the evidence by clinical and scientific experts for the particular gene to classify genomic variants on a spectrum from pathogenic to benign using the 2015 ACMG/AMP Variant Interpretation Guidelines as a backbone (PMID: 25741868). Reclassification of these VUS variants from gnomAD or All of Us focused only on variants originally prescribed as VUS in ClinVar. To ensure reproducibility, transparency, and increased throughput, all the procedures for annotating variants and assigning evidence codes were codified using Python. All code has been made freely available and is linked in the Code Availability section and all reclassified variants with evidence codes used can be found in Tables S18-19 (preprint: doi:10.1101/2024.04.11.24305690). For the MAVE data, the clinical curation and clinical strength assignment as per the ClinGen recommendations in Brnich et al. (2020) (PMID: 31892348) for or against pathogenicity or benignity of each of these MAVE datasets utilized in this study were previously published in Fayer et al. (2021) (PMID: 34793697).In brief, for BRCA1 variants, if a variant was categorized as FUNC (functional), it was assigned BS3 evidence and no PS3 evidence, whereas if it was categorized as LOF (loss of function), the variant was assigned PS3 evidence and no BS3 evidence. Variants categorized as INT (intermediate) were left unannotated. For the BRCA1 combining criteria, greater than or equal to 1 criteria of strong benign evidence was enough to reclassify the VUS as Likely Benign. This variant GRCh38:17:43067664:T>C was assigned evidence codes ['BS3', 'BP4'] and an overall classification of Likely benign

All of Us Research Program, National Institutes of Health
Classification: Uncertain significance for Breast-ovarian cancer, familial, susceptibility to, 1. Last evaluated: 2024-01-11. Review status: criteria provided, single submitter. Criteria: ACMG Guidelines, 2015. Collection method: clinical testing. Allele origin: germline. Inheritance: Autosomal dominant inheritance. Observed: 1 variant allele, 1 heterozygote.
Comment: This missense variant replaces histidine with arginine at codon 1673 of the BRCA1 protein. Computational prediction suggests that this variant may not impact protein structure and function (internally defined REVEL score threshold <= 0.5, PMID: 27666373). This variant has been reported to be functional in a haploid cell proliferation assay (PMID: 30209399). To our knowledge, this variant has not been reported in individuals affected with hereditary cancer in the literature. This variant has not been identified in the general population by the Genome Aggregation Database (gnomAD). The available evidence is insufficient to determine the role of this variant in disease conclusively. Therefore, this variant is classified as a Variant of Uncertain Significance.

This study involves interpretation of variants in research participants for the purpose of population health screening. Participant phenotype was not available at the time of variant classification. Additional details can be found in publication PMID: 35346344, PMCID: PMC8962531

Myriad Genetics, Inc.
Classification: Likely benign for Breast-ovarian cancer, familial, susceptibility to, 1. Last evaluated: 2023-08-17. Review status: criteria provided, single submitter. Criteria: Myriad Autosomal Dominant, Autosomal Recessive and X-Linked Classification Criteria (2023). Collection method: clinical testing. Allele origin: unknown.
Comment: This variant is considered likely benign. This variant is strongly associated with less severe personal and family histories of cancer, typical for individuals without pathogenic variants in this gene [PMID: 25085752].

Ambry Genetics
Classification: Likely benign for Hereditary cancer-predisposing syndrome. Last evaluated: 2021-10-15. Review status: criteria provided, single submitter. Criteria: Ambry Variant Classification Scheme 2023. Collection method: clinical testing. Allele origin: germline.

GeneDx
Classification: Uncertain significance. Last evaluated: 2015-07-21. Review status: criteria provided, single submitter. Criteria: GeneDx Variant Classification (06012015). Collection method: clinical testing. Allele origin: germline. Affected: yes.
Comment: This variant is denoted BRCA1 c.5018A>G at the cDNA level, p.His1673Arg (H1673R) at the protein level, and results in the change of a Histidine to an Arginine (CAC>CGC). Using alternate nomenclature, this variant would be defined as BRCA1 5137A>G. This variant has not, to our knowledge, been published in the literature as pathogenic or benign. BRCA1 His1673Arg was not observed in approximately 6,500 individuals of European and African American ancestry in the NHLBI Exome Sequencing Project, indicating it is not a common benign variant in these populations. Since Histidine and Arginine share similar properties, this is considered a conservative amino acid substitution. BRCA1 His1673Arg occurs at a position that is not conserved and is located in the BRCT1 domain (UniProt). In silico analyses predict that this variant is unlikely to alter protein structure or function. Based on currently available information, it is unclear whether BRCA1 His1673Arg is pathogenic or benign. We consider it to be a variant of uncertain significance.

Brotman Baty Institute, University of Washington
No classification provided (evidence only). Condition: Breast-ovarian cancer, familial 1. Review status: no classification provided. Collection method: in vitro. Allele origin: not applicable. Functional consequence: functionally_normal. Not counted in ClinVar's aggregate classification.
ClinVar note: "not provided" was previously submitted as the classification for the variant. However, the classification appeared to be based only on an observation of functional data so it was converted to no classification on 2025-07-30.

Literature cited by the submitters: PubMed 30209399 (cited by 3 submitters); PubMed 39142283 (cited by Lupski Lab, Baylor-Hopkins CMG, Baylor College of Medicine); PubMed 34793697 (cited by Lupski Lab, Baylor-Hopkins CMG, Baylor College of Medicine); DOI 10.1101/2024.04.11.24305690 (cited by Lupski Lab, Baylor-Hopkins CMG, Baylor College of Medicine); PubMed 25085752 (cited by Myriad Genetics, Inc.).